The following is an entry in ClinVar:

ClinVar aggregate classification (germline): Uncertain significance (1 of 4 stars; one submission).

Conditions:
Autism spectrum disorder due to AUTS2 deficiency (MRD26). Also called: INTELLECTUAL DEVELOPMENTAL DISORDER, AUTOSOMAL DOMINANT 26. Identifiers: Orphanet 352490, MedGen C4014435, MONDO:0014361, OMIM 615834.

Allele frequency attached by ClinVar (database versions not stated): TOPMed 0.00001; ExAC 0.00001; gnomAD exomes 0.00001.
gnomAD v4.1: 18 of 1,578,448 alleles (0.0011%); highest among the groups gnomAD compares: East Asian, 0.0046%; no homozygotes.

Submission:

Centre for Mendelian Genomics, University Medical Centre Ljubljana
Classification: Uncertain significance for Autism spectrum disorder due to AUTS2 deficiency. Last evaluated: 2019-02-28. Review status: criteria provided, single submitter. Criteria: ACMG Guidelines, 2015. Collection method: clinical testing. Allele origin: unknown. Affected: yes.
Comment: This variant was classified as: Uncertain significance. The available evidence on this variant's pathogenicity is insufficient or conflicting. The following ACMG criteria were applied in classifying this variant: PP3.

NM_015570.4(AUTS2):c.607C>T (p.Arg203Trp)

Gene: AUTS2 (activator of transcription and developmental regulator AUTS2; plus strand). Cytogenetic location: 7q11.22.
Variant type: single nucleotide variant.
Coding change: c.607C>T on transcript NM_015570.4 (MANE Select); coding-DNA position 607, C replaced by T.
Protein change: p.Arg203Trp; replaces arginine 203 with tryptophan.
Molecular consequence: missense variant.
Genome position (GRCh38, 1-based): chr7:70,118,216, C>T. VCF-style: chr7-70118216-C-T. GRCh37 (hg19) VCF-style: chr7-69583202-C-T.
Other names: c.607C>T, p.Arg203Trp (NM_001127231.3, NM_001127232.3); short protein forms R203W.
Identifiers: ClinVar variation 931244 (VCV000931244.3), dbSNP rs768770455, ClinGen allele CA4280356.